The following is an entry in ClinVar:

ClinVar aggregate classification (germline): Uncertain significance (1 of 4 stars; one submission).

Conditions:
Inborn genetic diseases. Identifiers: MedGen C0950123, MeSH D030342.

Submission:

Ambry Genetics
Classification: Uncertain significance for Inborn genetic diseases. Last evaluated: 2022-03-07. Review status: criteria provided, single submitter. Criteria: Ambry Variant Classification Scheme 2023. Collection method: clinical testing. Allele origin: germline.
Comment: The p.P769A variant (also known as c.2305C>G), located in coding exon 15 of the EPAS1 gene, results from a C to G substitution at nucleotide position 2305. The proline at codon 769 is replaced by alanine, an amino acid with highly similar properties. This amino acid position is conserved. In addition, this alteration is predicted to be tolerated by in silico analysis. Since supporting evidence is limited at this time, the clinical significance of this alteration remains unclear.

NM_001430.5(EPAS1):c.2305C>G (p.Pro769Ala)

Gene: EPAS1 (endothelial PAS domain protein 1; plus strand). Cytogenetic location: 2p21.
Variant type: single nucleotide variant.
Coding change: c.2305C>G on transcript NM_001430.5 (MANE Select); coding-DNA position 2305, C replaced by G.
Protein change: p.Pro769Ala; replaces proline 769 with alanine.
Molecular consequence: missense variant.
Genome position (GRCh38, 1-based): chr2:46,382,442, C>G. VCF-style: chr2-46382442-C-G. GRCh37 (hg19) VCF-style: chr2-46609581-C-G.
Other names: short protein forms P769A.
Identifiers: ClinVar variation 1789350 (VCV001789350.2), dbSNP rs2546480734, ClinGen allele CA346705985.